The following is an entry in ClinVar:

NM_006950.3(SYN1):c.1925A>G (p.Gln642Arg)

Gene: SYN1 (synapsin I; minus strand). Cytogenetic location: Xp11.3.
Variant type: single nucleotide variant.
Coding change: c.1925A>G on transcript NM_006950.3 (MANE Select); coding-DNA position 1925, A replaced by G.
Protein change: p.Gln642Arg; replaces glutamine 642 with arginine.
Molecular consequence: missense variant.
Genome position (GRCh38, 1-based): chrX:47,574,059, T>C on the plus strand (A>G on the coding strand, the complement: SYN1 is on the minus strand). VCF-style: chrX-47574059-T-C. GRCh37 (hg19) VCF-style: chrX-47433458-T-C.
Other names: c.1925A>G, p.Gln642Arg (NM_133499.2); short protein forms Q642R.
Identifiers: ClinVar variation 2581698 (VCV002581698.1), dbSNP rs768643160, ClinGen allele CA10398344.

ClinVar aggregate classification (germline): Uncertain significance (1 of 4 stars; one submission).

Allele frequency attached by ClinVar (database versions not stated): gnomAD exomes below 0.00001.
gnomAD v4.1: 2 of 1,152,644 alleles (0.00017%); highest among the groups gnomAD compares: South Asian, 0.0019%; no homozygotes.

Submission:

Women's Health and Genetics/Laboratory Corporation of America, LabCorp
Classification: Uncertain significance. Last evaluated: 2023-08-14. Review status: criteria provided, single submitter. Criteria: LabCorp Variant Classification Summary - May 2015. Collection method: clinical testing. Allele origin: germline.
Comment: Variant summary: SYN1 c.1925A>G (p.Gln642Arg) results in a conservative amino acid change in the encoded protein sequence. Five of five in-silico tools predict a benign effect of the variant on protein function. The variant was absent in 89759 control chromosomes (gnomAD). The available data on variant occurrences in the general population are insufficient to allow any conclusion about variant significance. To our knowledge, no occurrence of c.1925A>G in individuals affected with SYN1-Related Disorders and no experimental evidence demonstrating its impact on protein function have been reported. No submitters have cited clinical-significance assessments for this variant to ClinVar after 2014. Based on the evidence outlined above, the variant was classified as uncertain significance.